The following is an entry in ClinVar:

NM_005027.4(PIK3R2):c.1360C>T (p.Gln454Ter)

Gene: PIK3R2 (phosphoinositide-3-kinase regulatory subunit 2; plus strand). Cytogenetic location: 19p13.11.
Variant type: single nucleotide variant.
Coding change: c.1360C>T on transcript NM_005027.4 (MANE Select); coding-DNA position 1360, C replaced by T.
Protein change: p.Gln454Ter; replaces glutamine 454 with a stop codon.
Molecular consequence: nonsense. On other transcripts: non-coding transcript variant (2).
Genome position (GRCh38, 1-based): chr19:18,163,332, C>T. VCF-style: chr19-18163332-C-T. GRCh37 (hg19) VCF-style: chr19-18274142-C-T.
Other names: short protein forms Q454*.
Identifiers: ClinVar variation 3731548 (VCV003731548.1).
Genomic context (GRCh38, chr19:18,163,332, plus strand): 5'-GTCAAGGAGGACAGCGTGGAGGCAGTGGGCGCCCAGCTTAAGGTCTATCACCAGCAGTAC[C>T]AGGACAAGAGCCGCGAGTATGACCAGCTTTATGAAGAGTACACACGGACCTCCCAGGTAC-3'

ClinVar aggregate classification (germline): Uncertain significance (1 of 4 stars; one submission).

Conditions:
Megalencephaly-polymicrogyria-polydactyly-hydrocephalus syndrome 1 (MPPH1). Also called: MEGALENCEPHALY, MEGA CORPUS CALLOSUM, AND COMPLETE LACK OF MOTOR DEVELOPMENT; MEGALENCEPHALY, POLYMICROGYRIA, MEGA CORPUS CALLOSUM SYNDROME. Identifiers: Orphanet 83473, MedGen C4012727, MONDO:0011313, OMIM 603387.

Submission:

Neuberg Centre For Genomic Medicine, NCGM
Classification: Uncertain significance for Megalencephaly-polymicrogyria-polydactyly-hydrocephalus syndrome 1. Review status: criteria provided, single submitter. Criteria: ACMG Guidelines, 2015. Collection method: clinical testing. Allele origin: germline. Inheritance: Autosomal dominant inheritance. Affected: yes.
Comment: The stop gained c.1360C>T(p.Gln454Ter) variant in PIK3R2 gene has not been reported previously as a pathogenic variant nor as a benign variant, to our knowledge. The c.1360C>T variant is absent in gnomAD Exomes. This variant has not been reported to the ClinVar database. Computational evidence (MutationTaster - Disease causing) predict damaging effect on protein structure and function for this variant. The nucleotide change c.1360C>T in PIK3R2 is predicted as conserved by GERP++ and PhyloP across 100 vertebrates. Loss of function has not been established, hence the variant is classified as Variant of Uncertain Significance (VUS).